The following is an entry in ClinVar:

ClinVar aggregate classification (germline): Pathogenic (1 of 4 stars; one submission).

Conditions:
Cataract 18 (CATC2). Also called: CATARACT 18, AUTOSOMAL RECESSIVE. Identifiers: Orphanet 91492, Orphanet 98991, Orphanet 98992, Orphanet 98995, MedGen C1864908, MONDO:0012395, OMIM 610019.

Submission:

Labcorp Genetics (formerly Invitae), Labcorp
Classification: Pathogenic for Cataract 18. Last evaluated: 2021-04-16. Review status: criteria provided, single submitter. Criteria: Invitae Variant Classification Sherloc (09022015). Collection method: clinical testing. Allele origin: germline.
Comment: For these reasons, this variant has been classified as Pathogenic. Algorithms developed to predict the effect of sequence changes on RNA splicing suggest that this variant may create or strengthen a splice site, but this prediction has not been confirmed by published transcriptional studies. This variant has not been reported in the literature in individuals with FYCO1-related conditions. This variant is not present in population databases (ExAC no frequency). This sequence change creates a premature translational stop signal (p.Thr177Glyfs*10) in the FYCO1 gene. It is expected to result in an absent or disrupted protein product. Loss-of-function variants in FYCO1 are known to be pathogenic (PMID: 21636066).

Literature cited by the submitters: PubMed 21636066.

NM_024513.4(FYCO1):c.528_529insGGCAAAGT (p.Thr177fs)

Gene: FYCO1 (FYVE and coiled-coil domain autophagy adaptor 1; minus strand). Cytogenetic location: 3p21.31.
Variant type: Insertion.
Coding change: c.528_529insGGCAAAGT on transcript NM_024513.4 (MANE Select); coding-DNA positions 528 to 529, GGCAAAGT inserted.
Protein change: p.Thr177fs; shifts the reading frame from threonine 177.
Molecular consequence: frameshift variant. On other transcripts: non-coding transcript variant (1), intron variant (2).
Genome position: GRCh38 VCF-style: chr3-45973098-T-TACTTTGCC. GRCh37 (hg19) VCF-style: chr3-46014590-T-TACTTTGCC.
Other names: c.528_529insGGCAAAGT, p.Thr177fs (NM_001386421.1, NM_001386422.1, NM_001386423.1 and 4 more transcripts); c.408_409insGGCAAAGT, p.Thr137fs (NM_001386426.1); c.-61-3334_-61-3333insGGCAAAGT (NM_001386430.1); c.395+2140_395+2141insGGCAAAGT (NM_001386427.1); short protein forms T137fs, T177fs.
Identifiers: ClinVar variation 1430203 (VCV001430203.6), dbSNP rs2125859204, ClinGen allele CA2573137004.